The following is an entry in ClinVar:

NM_033100.4(CDHR1):c.978C>G (p.Ser326Arg)

Gene: CDHR1 (cadherin related family member 1; plus strand). Cytogenetic location: 10q23.1.
Variant type: single nucleotide variant.
Coding change: c.978C>G on transcript NM_033100.4 (MANE Select); coding-DNA position 978, C replaced by G.
Protein change: p.Ser326Arg; replaces serine 326 with arginine.
Molecular consequence: missense variant.
Genome position (GRCh38, 1-based): chr10:84,208,188, C>G. VCF-style: chr10-84208188-C-G. GRCh37 (hg19) VCF-style: chr10-85967944-C-G.
Other names: c.978C>G, p.Ser326Arg (NM_001171971.3); short protein forms S326R.
Identifiers: ClinVar variation 4741879 (VCV004741879.1).

ClinVar aggregate classification (germline): Uncertain significance (1 of 4 stars; one submission).

Submission:

Labcorp Genetics (formerly Invitae), Labcorp
Classification: Uncertain significance. Last evaluated: 2025-10-19. Review status: criteria provided, single submitter. Criteria: Invitae Variant Classification Sherloc (09022015). Collection method: clinical testing. Allele origin: germline.
Comment: This sequence change replaces serine, which is neutral and polar, with arginine, which is basic and polar, at codon 326 of the CDHR1 protein (p.Ser326Arg). This variant is not present in population databases (gnomAD no frequency). This variant has not been reported in the literature in individuals affected with CDHR1-related conditions. Invitae Evidence Modeling of protein sequence and biophysical properties (such as structural, functional, and spatial information, amino acid conservation, physicochemical variation, residue mobility, and thermodynamic stability) indicates that this missense variant is not expected to disrupt CDHR1 protein function with a negative predictive value of 80%. In summary, the available evidence is currently insufficient to determine the role of this variant in disease. Therefore, it has been classified as a Variant of Uncertain Significance.